The following is an entry in ClinVar:

ClinVar aggregate classification (germline): Uncertain significance. Review status: criteria provided, multiple submitters, no conflicts (2 of 4 stars). 2 submissions from 2 submitters: Uncertain significance (2). Last evaluated 2024-11-19.

Conditions:
Hereditary cancer-predisposing syndrome. Also called: Hereditary Cancer Syndrome; Hereditary neoplastic syndrome; Neoplastic Syndromes, Hereditary; Tumor predisposition. Identifiers: Orphanet 140162, MedGen C0027672, MeSH D009386, MONDO:0015356.
Multiple endocrine neoplasia, type 1 (MEN1). Also called: MEN I; WERMER SYNDROME; Endocrine adenomatosis multiple; MEN 1; MEA I. Identifiers: Orphanet 652, MedGen C0025267, MeSH D018761, MONDO:0007540, OMIM 131100.

gnomAD v4.1: 6 of 1,597,138 alleles (0.00038%); highest among the groups gnomAD compares: Non-Finnish European, 0.00051%; no homozygotes.

Submissions (2):

Labcorp Genetics (formerly Invitae), Labcorp
Classification: Uncertain significance for Multiple endocrine neoplasia, type 1. Last evaluated: 2024-11-19. Review status: criteria provided, single submitter. Criteria: Invitae Variant Classification Sherloc (09022015). Collection method: clinical testing. Allele origin: germline.
Comment: This sequence change replaces alanine, which is neutral and non-polar, with valine, which is neutral and non-polar, at codon 475 of the MEN1 protein (p.Ala475Val). This variant is not present in population databases (gnomAD no frequency). This variant has not been reported in the literature in individuals affected with MEN1-related conditions. Invitae Evidence Modeling of protein sequence and biophysical properties (such as structural, functional, and spatial information, amino acid conservation, physicochemical variation, residue mobility, and thermodynamic stability) indicates that this missense variant is not expected to disrupt MEN1 protein function with a negative predictive value of 80%. In summary, the available evidence is currently insufficient to determine the role of this variant in disease. Therefore, it has been classified as a Variant of Uncertain Significance.

Ambry Genetics
Classification: Uncertain significance for Hereditary cancer-predisposing syndrome. Last evaluated: 2024-08-19. Review status: criteria provided, single submitter. Criteria: Ambry Variant Classification Scheme 2023. Collection method: clinical testing. Allele origin: germline.
Comment: The p.A475V variant (also known as c.1424C>T), located in coding exon 9 of the MEN1 gene, results from a C to T substitution at nucleotide position 1424. The alanine at codon 475 is replaced by valine, an amino acid with similar properties. This amino acid position is conserved. In addition, the in silico prediction for this alteration is inconclusive. Based on the available evidence, the clinical significance of this variant remains unclear.

NM_001370259.2(MEN1):c.1424C>T (p.Ala475Val)

Gene: MEN1 (menin 1; minus strand). Cytogenetic location: 11q13.1.
Variant type: single nucleotide variant.
Coding change: c.1424C>T on transcript NM_001370259.2 (MANE Select); coding-DNA position 1424, C replaced by T.
Protein change: p.Ala475Val; replaces alanine 475 with valine.
Molecular consequence: missense variant. On other transcripts: non-coding transcript variant (4).
Genome position (GRCh38, 1-based): chr11:64,804,743, G>A on the plus strand (C>T on the coding strand, the complement: MEN1 is on the minus strand). VCF-style: chr11-64804743-G-A. GRCh37 (hg19) VCF-style: chr11-64572215-G-A.
Other names: c.1550C>T, p.Ala517Val (NM_001407142.1, NM_001407143.1, NM_001407144.1 and 1 more transcripts); c.1439C>T, p.Ala480Val (NM_001407145.1, NM_000244.4, NM_130800.3 and 4 more transcripts); c.1424C>T, p.Ala475Val (NM_001407146.1, NM_001407147.1, NM_001370260.2 and 2 more transcripts); c.1319C>T, p.Ala440Val (NM_001407148.1, NM_001407149.1, NM_001370262.2 and 1 more transcripts); c.1565C>T, p.Ala522Val (NM_001407150.1); c.1445C>T, p.Ala482Val (NM_001407151.1); c.1259C>T, p.Ala420Val (NM_001407152.1); short protein forms A475V, A522V, A440V, A480V, A482V, A420V, A517V.
Identifiers: ClinVar variation 3394959 (VCV003394959.3).